The following is an entry in ClinVar:

ClinVar aggregate classification (germline): Uncertain significance. Review status: criteria provided, multiple submitters, no conflicts (2 of 4 stars). 2 submissions from 2 submitters: Uncertain significance (2). Last evaluated 2025-06-12.

Conditions:
RAI1-related disorder. Also called: RAI1-related condition.

Submissions (2):

PreventionGenetics, part of Exact Sciences
Classification: Uncertain significance for RAI1-related condition. Last evaluated: 2025-06-12. Review status: criteria provided, single submitter. Criteria: ACMG Guidelines, 2015. Collection method: clinical testing. Allele origin: germline.
Comment: The RAI1 c.3300G>C variant is predicted to result in the amino acid substitution p.Lys1100Asn. To our knowledge, this variant has not been reported in the literature or in a large population database (gnomAD), indicating this variant is rare. At this time, the clinical significance of this variant is uncertain due to the absence of conclusive functional and genetic evidence.

GeneDx
Classification: Uncertain significance. Last evaluated: 2024-01-03. Review status: criteria provided, single submitter. Criteria: GeneDx Variant Classification Process June 2021. Collection method: clinical testing. Allele origin: germline. Affected: yes.
Comment: Not observed at significant frequency in large population cohorts (gnomAD); In silico analysis supports that this missense variant does not alter protein structure/function; Has not been previously published as pathogenic or benign to our knowledge

NM_030665.4(RAI1):c.3300G>C (p.Lys1100Asn)

Gene: RAI1 (retinoic acid induced 1; plus strand). Cytogenetic location: 17p11.2.
Variant type: single nucleotide variant.
Coding change: c.3300G>C on transcript NM_030665.4 (MANE Select); coding-DNA position 3300, G replaced by C.
Protein change: p.Lys1100Asn; replaces lysine 1100 with asparagine.
Molecular consequence: missense variant.
Genome position (GRCh38, 1-based): chr17:17,796,248, G>C. VCF-style: chr17-17796248-G-C. GRCh37 (hg19) VCF-style: chr17-17699562-G-C.
Other names: short protein forms K1100N.
Identifiers: ClinVar variation 3367543 (VCV003367543.2).
Genomic context (GRCh38, chr17:17,796,248, plus strand): 5'-CCCAGACAAACTGGGGGGCAAGCAGCGAGCCGCCTTCAAGTCGGGCAAGCGGGTGGGGAA[G>C]CCCTCACCCAAGGCTGCCTCCAGCCCCAGCAACCCGGCCGCCCTGCCTGTGGCCTCCGAC-3'
Protein context (NP_109590.3, residues 1090-1110): AAFKSGKRVG[Lys1100Asn]PSPKAASSPS